The following is an entry in ClinVar:

NM_002292.4(LAMB2):c.261G>A (p.Lys87=)

Gene: LAMB2 (laminin subunit beta 2; minus strand). Cytogenetic location: 3p21.31.
Variant type: single nucleotide variant.
Coding change: c.261G>A on transcript NM_002292.4 (MANE Select); coding-DNA position 261, G replaced by A.
Protein change: p.Lys87=; no amino-acid change (lysine 87 retained).
Molecular consequence: synonymous variant.
Genome position (GRCh38, 1-based): chr3:49,132,394, C>T on the plus strand (G>A on the coding strand, the complement: LAMB2 is on the minus strand). VCF-style: chr3-49132394-C-T. GRCh37 (hg19) VCF-style: chr3-49169827-C-T.
Other names: p.Lys87=.
Identifiers: ClinVar variation 704005 (VCV000704005.29), dbSNP rs149408554, ClinGen allele CA2394974.
Genomic context (GRCh38, chr3:49,132,394, plus strand): 5'-GCGATGGCTGTGTGGGTTGTCTCTAGCAGAGAAGGGGCGCCGGGAGTCACAAAGGAAGCA[C>T]TTCTTTTCGTCCTGGGTTGGATGGGGATTAGAATCAGTGCCTCAGGCAGTGCCAGCCCCA-3'
Protein context (NP_002283.3, residues 77-97): CIVSHLQDEK[Lys87=]CFLCDSRRPF

ClinVar aggregate classification (germline): Benign/Likely benign. Review status: criteria provided, multiple submitters, no conflicts (2 of 4 stars). 10 submissions from 9 submitters: Benign (3); Likely benign (5). 2 of the submissions do not count toward it. Last evaluated 2026-01-31.

Conditions:
Pierson syndrome. Also called: MICROCORIA-CONGENITAL NEPHROTIC SYNDROME. Identifiers: Orphanet 2670, MedGen C1836876, MONDO:0012184, OMIM 609049.
LAMB2-related infantile-onset nephrotic syndrome. Also called: NEPHROTIC SYNDROME, TYPE 5, WITHOUT OCULAR ABNORMALITIES; NEPHROTIC SYNDROME, TYPE 5, WITH OCULAR ABNORMALITIES; Nephrotic Syndrome, type 5. Identifiers: Orphanet 306507, MedGen C3280113, MONDO:0013621, OMIM 614199.

Allele frequency attached by ClinVar (database versions not stated): 1000 Genomes Project 30x 0.00219; 1000 Genomes Project 0.00240; TOPMed 0.00292; ESP Exome Variant Server 0.00392.
gnomAD v4.1: 777 of 1,614,238 alleles (0.048%); highest among the groups gnomAD compares: African/African-American, 0.92%; 5 homozygotes.

Submissions (10):

Labcorp Genetics (formerly Invitae), Labcorp
Classification: Benign for LAMB2-related infantile-onset nephrotic syndrome; Pierson syndrome. Last evaluated: 2026-01-31. Review status: criteria provided, single submitter. Criteria: Invitae Variant Classification Sherloc (09022015). Collection method: clinical testing. Allele origin: germline.

CeGaT Center for Human Genetics Tuebingen
Classification: Likely benign. Last evaluated: 2025-10-01. Review status: criteria provided, single submitter. Criteria: CeGaT Center For Human Genetics Tuebingen Variant Classification Criteria Version 2. Collection method: clinical testing. Allele origin: germline. Affected: yes. Observed: 1 variant allele.
Comment: LAMB2: BP4, BP7

Mayo Clinic Laboratories, Mayo Clinic
Classification: Benign. Last evaluated: 2025-03-27. Review status: criteria provided, single submitter. Criteria: ACMG Guidelines, 2015. Collection method: clinical testing. Allele origin: germline. Observed: 1 variant allele.
Comment: BA1, BP4, BP7

Blueprint Genetics
Classification: Likely benign. Last evaluated: 2024-10-18. Review status: criteria provided, single submitter. Criteria: ACMG Guidelines, 2015. Collection method: clinical testing. Allele origin: germline.

Fulgent Genetics
Classification: Benign for Pierson syndrome; LAMB2-related infantile-onset nephrotic syndrome. Last evaluated: 2021-07-26. Review status: criteria provided, single submitter. Criteria: ACMG Guidelines, 2015. Collection method: clinical testing. Allele origin: unknown.

GeneDx
Classification: Likely benign. Last evaluated: 2020-12-02. Review status: criteria provided, single submitter. Criteria: GeneDx Variant Classification Process June 2021. Collection method: clinical testing. Allele origin: germline. Affected: yes.

Illumina Laboratory Services, Illumina
Classification: Likely benign for Pierson syndrome. Last evaluated: 2018-03-06. Review status: criteria provided, single submitter. Criteria: ICSL Variant Classification Criteria 13 December 2019. Collection method: clinical testing. Allele origin: germline.
Comment: This variant was observed in the ICSL laboratory as part of a predisposition screen in an ostensibly healthy population. It had not been previously curated by ICSL or reported in the Human Gene Mutation Database (HGMD: prior to June 1st, 2018), and was therefore a candidate for classification through an automated scoring system. Utilizing variant allele frequency, disease prevalence and penetrance estimates, and inheritance mode, an automated score was calculated to assess if this variant is too frequent to cause the disease. Based on the score and internal cut-off values, a variant classified as likely benign is not then subjected to further curation. The score for this variant resulted in a classification of likely benign for this disease.

Illumina Laboratory Services, Illumina
Classification: Likely benign for LAMB2-related infantile-onset nephrotic syndrome. Last evaluated: 2018-03-06. Review status: criteria provided, single submitter. Criteria: ICSL Variant Classification Criteria 13 December 2019. Collection method: clinical testing. Allele origin: germline.
Comment: the same text as in the submission from Illumina Laboratory Services, Illumina above.

Genome Diagnostics Laboratory, University Medical Center Utrecht
Classification: Benign. Review status: no assertion criteria provided. Collection method: clinical testing. Allele origin: germline. Affected: yes. Study: VKGL Data-share Consensus. Not counted in ClinVar's aggregate classification.

Joint Genome Diagnostic Labs from Nijmegen and Maastricht, Radboudumc and MUMC+
Classification: Benign. Review status: no assertion criteria provided. Collection method: clinical testing. Allele origin: germline. Affected: yes. Study: VKGL Data-share Consensus. Not counted in ClinVar's aggregate classification.